The following is an entry in ClinVar:

NM_005247.4(FGF3):c.154A>G (p.Thr52Ala)

Genes: FGF3 (fibroblast growth factor 3; minus strand), LOC109115964 (FGF3 5' regulatory region; plus strand). Cytogenetic location: 11q13.3.
Variant type: single nucleotide variant.
Coding change: c.154A>G on transcript NM_005247.4 (MANE Select); coding-DNA position 154, A replaced by G.
Protein change: p.Thr52Ala; replaces threonine 52 with alanine.
Molecular consequence: missense variant.
Genome position (GRCh38, 1-based): chr11:69,818,780, T>C on the plus strand (A>G on the coding strand, the complement: FGF3 is on the minus strand). VCF-style: chr11-69818780-T-C. GRCh37 (hg19) VCF-style: chr11-69633548-T-C.
Other names: short protein forms T52A.
Identifiers: ClinVar variation 2429519 (VCV002429519.1), dbSNP rs1856186955, ClinGen allele CA381664469.
Genomic context (GRCh38, chr11:69,818,780, plus strand): 5'-CGCTGTTCTCCAGGCTGCCGTTGACGCGGCCGCTCGGGTGCAGCTGGAGGTGGTACTTCG[T>C]GGCGCAGTAGAGCTTGCGGCGCCGGGGCGCCCCGCCAAGGTGCTCGTAGACGCCGCCACG-3'
Protein context (NP_005238.1, residues 42-62): APRRRKLYCA[Thr52Ala]KYHLQLHPSG

ClinVar aggregate classification (germline): Uncertain significance (1 of 4 stars; one submission).

Allele frequency attached by ClinVar (database versions not stated): TOPMed below 0.00001; gnomAD 0.00001.

Submission:

GeneDx
Classification: Uncertain significance. Last evaluated: 2022-07-27. Review status: criteria provided, single submitter. Criteria: GeneDx Variant Classification Process June 2021. Collection method: clinical testing. Allele origin: germline. Affected: yes.
Comment: Not observed at significant frequency in large population cohorts (gnomAD); In silico analysis supports that this missense variant has a deleterious effect on protein structure/function; Has not been previously published as pathogenic or benign to our knowledge